The following is an entry in ClinVar:

NM_058195.4(CDKN2A):c.113G>A (p.Gly38Glu)

Gene: CDKN2A (cyclin dependent kinase inhibitor 2A; minus strand). Cytogenetic location: 9p21.3.
Variant type: single nucleotide variant.
Coding change: c.113G>A on transcript NM_058195.4 (MANE Plus Clinical); coding-DNA position 113, G replaced by A.
Protein change: p.Gly38Glu; replaces glycine 38 with glutamic acid.
Molecular consequence: missense variant. On other transcripts: intron variant (1).
Genome position (GRCh38, 1-based): chr9:21,994,219, C>T on the plus strand (G>A on the coding strand, the complement: CDKN2A is on the minus strand). VCF-style: chr9-21994219-C-T. GRCh37 (hg19) VCF-style: chr9-21994218-C-T.
Other names: c.-4+602G>A (NM_001363763.2); short protein forms G38E.
Identifiers: ClinVar variation 579118 (VCV000579118.6), dbSNP rs1563902798, ClinGen allele CA373086919.

ClinVar aggregate classification (germline): Uncertain significance. Review status: criteria provided, multiple submitters, no conflicts (2 of 4 stars). 2 submissions from 2 submitters: Uncertain significance (2). Last evaluated 2025-06-24.

Conditions:
Hereditary cancer-predisposing syndrome. Also called: Hereditary Cancer Syndrome; Neoplastic Syndromes, Hereditary; Tumor predisposition; Hereditary neoplastic syndrome. Identifiers: Orphanet 140162, MedGen C0027672, MeSH D009386, MONDO:0015356.
Familial melanoma. Also called: Hereditary melanoma; Hereditary cutaneous melanoma. Identifiers: Orphanet 618, MedGen C1512419, MONDO:0018961.

gnomAD v4.1: 1 of 1,605,934 alleles (0.000062%); highest among the groups gnomAD compares: South Asian, 0.0011%; no homozygotes.

Submissions (2):

Ambry Genetics
Classification: Uncertain significance for Hereditary cancer-predisposing syndrome. Last evaluated: 2025-06-24. Review status: criteria provided, single submitter. Criteria: Ambry Variant Classification Scheme 2023. Collection method: clinical testing. Allele origin: germline.
Comment: The p.G38E variant (also known as c.113G>A), located in coding exon 1 of the CDKN2A (p14ARF) gene, results from a G to A substitution at nucleotide position 113. The glycine at codon 38 is replaced by glutamic acid, an amino acid with similar properties. This amino acid position is not well conserved in available vertebrate species. Based on the available evidence, the clinical significance of this variant remains unclear.

Labcorp Genetics (formerly Invitae), Labcorp
Classification: Uncertain significance for Familial melanoma. Last evaluated: 2021-07-12. Review status: criteria provided, single submitter. Criteria: Invitae Variant Classification Sherloc (09022015). Collection method: clinical testing. Allele origin: germline.